The following is an entry in ClinVar:

ClinVar aggregate classification (germline): Uncertain significance (1 of 4 stars; one submission).

Conditions:
Arrhythmogenic cardiomyopathy with wooly hair and keratoderma. Also called: PALMOPLANTAR KERATODERMA WITH LEFT VENTRICULAR CARDIOMYOPATHY AND WOOLLY HAIR; Carvajal syndrome; Dilated cardiomyopathy with woolly hair and keratoderma; Arrhythmogenic cardiomyopathy with woolly hair and keratoderma. Identifiers: Orphanet 65282, MedGen C1854063, MONDO:0011581, OMIM 605676.

Submission:

All of Us Research Program, National Institutes of Health
Classification: Uncertain significance for Arrhythmogenic cardiomyopathy with wooly hair and keratoderma. Last evaluated: 2023-11-20. Review status: criteria provided, single submitter. Criteria: ACMG Guidelines, 2015. Collection method: clinical testing. Allele origin: germline. Inheritance: Autosomal dominant inheritance. Observed: 1 variant allele, 1 heterozygote.
Comment: This missense variant replaces glycine with cysteine at codon 2197 of the DSP protein. Computational prediction is inconclusive regarding the impact of this variant on protein structure and function (internally defined REVEL score threshold 0.5 < inconclusive < 0.7, PMID: 27666373). To our knowledge, functional studies have not been reported for this variant. This variant has not been reported in individuals affected with DSP-related disorders in the literature. This variant has not been identified in the general population by the Genome Aggregation Database (gnomAD). The available evidence is insufficient to determine the role of this variant in disease conclusively. Therefore, this variant is classified as a Variant of Uncertain Significance.

This study involves interpretation of variants in research participants for the purpose of population health screening. Participant phenotype was not available at the time of variant classification. Additional details can be found in publication PMID: 35346344, PMCID: PMC8962531

NM_004415.4(DSP):c.6589G>T (p.Gly2197Cys)

Gene: DSP (desmoplakin; plus strand). Cytogenetic location: 6p24.3.
Variant type: single nucleotide variant.
Coding change: c.6589G>T on transcript NM_004415.4 (MANE Select); coding-DNA position 6589, G replaced by T.
Protein change: p.Gly2197Cys; replaces glycine 2197 with cysteine.
Molecular consequence: missense variant.
Genome position (GRCh38, 1-based): chr6:7,583,851, G>T. VCF-style: chr6-7583851-G-T. GRCh37 (hg19) VCF-style: chr6-7584084-G-T.
Other names: c.4792G>T, p.Gly1598Cys (NM_001008844.3); c.5260G>T, p.Gly1754Cys (NM_001319034.2); short protein forms G1598C, G1754C, G2197C.
Identifiers: ClinVar variation 3074491 (VCV003074491.1), dbSNP rs2533942128, ClinGen allele CA362691118.